The following is an entry in ClinVar:

ClinVar aggregate classification (germline): Pathogenic (1 of 4 stars; one submission).

Conditions:
Bardet-Biedl syndrome (BBS). Identifiers: Orphanet 110, MedGen C0752166, MONDO:0015229.

Submission:

Labcorp Genetics (formerly Invitae), Labcorp
Classification: Pathogenic for Bardet-Biedl syndrome. Last evaluated: 2023-10-17. Review status: criteria provided, single submitter. Criteria: Invitae Variant Classification Sherloc (09022015). Collection method: clinical testing. Allele origin: germline.
Comment: This sequence change creates a premature translational stop signal (p.Ile277Phefs*4) in the BBS9 gene. It is expected to result in an absent or disrupted protein product. Loss-of-function variants in BBS9 are known to be pathogenic (PMID: 16380913, 20177705). This variant is not present in population databases (gnomAD no frequency). This variant has not been reported in the literature in individuals affected with BBS9-related conditions. For these reasons, this variant has been classified as Pathogenic.

Literature cited by the submitters: PubMed 16380913; PubMed 20177705.

NM_198428.3(BBS9):c.829del (p.Ile277fs)

Gene: BBS9 (Bardet-Biedl syndrome 9; plus strand). Cytogenetic location: 7p14.3.
Variant type: Deletion.
Coding change: c.829del on transcript NM_198428.3 (MANE Select); coding-DNA position 829, one base deleted (A; older notation c.829delA).
Protein change: p.Ile277fs; shifts the reading frame from isoleucine 277.
Molecular consequence: frameshift variant. On other transcripts: non-coding transcript variant (3).
Genome position (GRCh38, 1-based): chr7:33,273,138, A deleted; the last of 3 consecutive A bases (chr7:33,273,136-33,273,138); deleting any one gives the same sequence. VCF-style (leftmost placement, unchanged base first): chr7-33273135-CA-C. GRCh37 (hg19) VCF-style: chr7-33312747-CA-C.
Other names: c.829del, p.Ile277fs (NM_001033604.2, NM_001033605.2, NM_001348036.1 and 5 more transcripts); c.463del, p.Ile155fs (NM_001348037.3, NM_001348044.3, NM_001348045.3 and 1 more transcripts); c.556del, p.Ile186fs (NM_001348038.3, NM_001348039.3); c.694del, p.Ile232fs (NM_001348042.3); c.829delA, p.Ile277Phefs (NM_001412127.2, NM_001412128.2); short protein forms I232fs, I277fs, I155fs, I186fs.
Identifiers: ClinVar variation 3019932 (VCV003019932.4), dbSNP rs2535204408, ClinGen allele CA2578864652.